The following is an entry in ClinVar:

ClinVar aggregate classification (germline): Conflicting classifications of pathogenicity. Review status: criteria provided, conflicting classifications (1 of 4 stars). 4 submissions from 4 submitters: Pathogenic (2); Uncertain significance (1). 1 of the submissions does not count toward it. Last evaluated 2025-10-19.

Conditions:
GM1 gangliosidosis type 3. Also called: GANGLIOSIDOSIS, GENERALIZED GM1, ADULT TYPE; GANGLIOSIDOSIS, GENERALIZED GM1, CHRONIC TYPE; GANGLIOSIDOSIS, GENERALIZED GM1, TYPE III; GM1-GANGLIOSIDOSIS, TYPE III; Beta-galactosidase deficiency; Adult GM1 gangliosidosis. Identifiers: Orphanet 79257, MedGen C0268273, MONDO:0009262, OMIM 230650.
GM1 gangliosidosis type 2. Also called: GANGLIOSIDOSIS, GENERALIZED GM1, JUVENILE TYPE; GANGLIOSIDOSIS, GENERALIZED GM1, TYPE II; GM1-GANGLIOSIDOSIS, TYPE II; Juvenile GM>1< gangliosidosis; Gangliosidosis, Generalized GM1, Type 2. Identifiers: Orphanet 354, Orphanet 79256, MedGen C0268272, MONDO:0009261, OMIM 230600.
Infantile GM1 gangliosidosis. Also called: GM1 gangliosidosis type 1; GM1-gangliosidosis, type I; Gangliosidosis, generalized GM1, infantile form; GLB1 deficiency; Gangliosidosis, Generalized GM1, Type 1. Identifiers: Orphanet 354, Orphanet 79255, MedGen C0268271, MONDO:0009260, OMIM 230500.
Mucopolysaccharidosis, MPS-IV-B (MPS4B). Also called: Mucopolysaccharidosis type 4B; Mucopolysaccharidosis Type IVB (Morquio B Disease); MORQUIO SYNDROME B; Mucopolysaccharidosis type IVB (Morquio); MPS IVB; Mucopolysaccharidosis type IV B. Identifiers: Orphanet 309310, Orphanet 582, MedGen C0086652, MONDO:0009660, OMIM 253010.
GM1 gangliosidosis. Identifiers: Orphanet 354, MedGen C0085131, MONDO:0018149.

Allele frequency attached by ClinVar (database versions not stated): TOPMed below 0.00001; ExAC 0.00001; gnomAD 0.00001; gnomAD exomes 0.00001 and 0.00002.
gnomAD v4.1: 14 of 1,613,748 alleles (0.00087%); highest among the groups gnomAD compares: Admixed American, 0.0033%; no homozygotes.

Submissions (4):

Labcorp Genetics (formerly Invitae), Labcorp
Classification: Pathogenic for Mucopolysaccharidosis, MPS-IV-B; GM1 gangliosidosis. Last evaluated: 2025-10-19. Review status: criteria provided, single submitter. Criteria: Invitae Variant Classification Sherloc (09022015). Collection method: clinical testing. Allele origin: germline.
Comment: This sequence change replaces aspartic acid, which is acidic and polar, with asparagine, which is neutral and polar, at codon 491 of the GLB1 protein (p.Asp491Asn). This variant is present in population databases (rs780232995, gnomAD 0.006%). This missense change has been observed in individual(s) with GM1-gangliosidosis (PMID: 10338095, 33737400). This variant is also known as c.1521G>A. ClinVar contains an entry for this variant (Variation ID: 558272). Invitae Evidence Modeling of protein sequence and biophysical properties (such as structural, functional, and spatial information, amino acid conservation, physicochemical variation, residue mobility, and thermodynamic stability) indicates that this missense variant is expected to disrupt GLB1 protein function with a positive predictive value of 95%. Experimental studies have shown that this missense change affects GLB1 function (PMID: 23337983). This variant disrupts the p.Asp491 amino acid residue in GLB1. Other variant(s) that disrupt this residue have been observed in individuals with GLB1-related conditions (PMID: 17309651, 31761138), which suggests that this may be a clinically significant amino acid residue. For these reasons, this variant has been classified as Pathogenic.

Foundation for Research in Genetics and Endocrinology, FRIGE's Institute of Human Genetics
Classification: Pathogenic for Infantile GM1 gangliosidosis. Last evaluated: 2025-05-08. Review status: criteria provided, single submitter. Criteria: ACMG Guidelines, 2015. Collection method: clinical testing. Allele origin: germline. Inheritance: Autosomal recessive inheritance. Affected: yes. Observed: 1 homozygote.
Comment: A homozygous missense variant in exon 14 of the GLB1 gene that results in the amino acid substitution of Asparagine for Aspartic acid at codon 491 was detected. The observed variant c.1471G>A has not been reported in the 1000 genomes and has a minor allele frequency of 0.002% in the gnomAD databases. The in-silico prediction of the variant is deleterious by CADD, MutationTaster2, SIFT, LRT and DANN. In summary, the variant meets our criteria to be classified as pathogenic.

MGZ Medical Genetics Center
Classification: Uncertain significance for Mucopolysaccharidosis, MPS-IV-B. Last evaluated: 2022-04-14. Review status: criteria provided, single submitter. Criteria: ACMG Guidelines, 2015. Collection method: clinical testing. Allele origin: germline. Affected: yes. Observed: 2 variant alleles.
Comment: ACMG criteria applied: PM3, PM2_SUP, PP3

Counsyl
Classification: Uncertain significance for Infantile GM1 gangliosidosis; GM1 gangliosidosis type 2; GM1 gangliosidosis type 3; Mucopolysaccharidosis, MPS-IV-B. Last evaluated: 2018-05-08. Review status: no assertion criteria provided. Collection method: clinical testing. Allele origin: unknown. Not counted in ClinVar's aggregate classification.

Literature cited by the submitters: PubMed 10338095 (cited by Labcorp Genetics (formerly Invitae), Labcorp and Counsyl); PubMed 33737400 (cited by Labcorp Genetics (formerly Invitae), Labcorp); PubMed 23337983 (cited by Labcorp Genetics (formerly Invitae), Labcorp and Counsyl); PubMed 17309651 (cited by Labcorp Genetics (formerly Invitae), Labcorp); PubMed 31761138 (cited by Labcorp Genetics (formerly Invitae), Labcorp); PubMed 21520340 (cited by Counsyl).

NM_000404.4(GLB1):c.1471G>A (p.Asp491Asn)

Gene: GLB1 (galactosidase beta 1; minus strand). Cytogenetic location: 3p22.3.
Variant type: single nucleotide variant.
Coding change: c.1471G>A on transcript NM_000404.4 (MANE Select); coding-DNA position 1471, G replaced by A.
Protein change: p.Asp491Asn; replaces aspartic acid 491 with asparagine.
Molecular consequence: missense variant.
Genome position (GRCh38, 1-based): chr3:33,016,717, C>T on the plus strand (G>A on the coding strand, the complement: GLB1 is on the minus strand). VCF-style: chr3-33016717-C-T. GRCh37 (hg19) VCF-style: chr3-33058209-C-T.
Other names: p.Asp491Asn; c.1381G>A, p.Asp461Asn (NM_001079811.3); c.1078G>A, p.Asp360Asn (NM_001135602.3); c.1615G>A, p.Asp539Asn (NM_001317040.2); c.1471G>A, p.Asp491Asn (NM_001393580.1); short protein forms D491N, D360N, D539N, D461N.
Identifiers: ClinVar variation 558272 (VCV000558272.12), dbSNP rs780232995, ClinGen allele CA2299384.